The following is an entry in ClinVar:

ClinVar aggregate classification (germline): Benign. Review status: criteria provided, multiple submitters, no conflicts (2 of 4 stars). 2 submissions from 2 submitters: Benign (2). Last evaluated 2018-06-16.

Allele frequency attached by ClinVar (database versions not stated): gnomAD 0.02399 and 0.02572; gnomAD exomes 0.00655 and 0.00341; 1000 Genomes Project 30x 0.02655; TOPMed 0.02803; ExAC 0.01074; ESP Exome Variant Server 0.02440; 1000 Genomes Project 0.02636.
gnomAD v4.1: 8,915 of 1,590,708 alleles (0.56%); highest among the groups gnomAD compares: African/African-American, 7.8%; 269 homozygotes.

Submissions (2):

GeneDx
Classification: Benign. Last evaluated: 2018-06-16. Review status: criteria provided, single submitter. Criteria: GeneDx Variant Classification (06012015). Collection method: clinical testing. Allele origin: germline. Affected: yes.
Comment: This variant is considered likely benign or benign based on one or more of the following criteria: it is a conservative change, it occurs at a poorly conserved position in the protein, it is predicted to be benign by multiple in silico algorithms, and/or has population frequency not consistent with disease.

Breakthrough Genomics
Classification: Benign. Review status: criteria provided, single submitter. Criteria: ACMG Guidelines, 2015. Collection method: not provided. Allele origin: germline. Inheritance: Unknown mechanism. Affected: yes.

NM_001080779.2(MYO1C):c.-16C>T

Gene: MYO1C (myosin IC; minus strand). Cytogenetic location: 17p13.3.
Variant type: single nucleotide variant.
Coding change: c.-16C>T on transcript NM_001080779.2 (MANE Select); 16 bases upstream of the start codon, C replaced by T.
Molecular consequence: 5 prime UTR variant.
Genome position (GRCh38, 1-based): chr17:1,492,503, G>A on the plus strand (C>T on the coding strand, the complement: MYO1C is on the minus strand). VCF-style: chr17-1492503-G-A. GRCh37 (hg19) VCF-style: chr17-1395797-G-A.
Identifiers: ClinVar variation 683284 (VCV000683284.4), dbSNP rs76000611, ClinGen allele CA8268262.